The following is an entry in ClinVar:

NM_004817.4(TJP2):c.1631C>T (p.Ala544Val)

Gene: TJP2 (tight junction protein 2; plus strand). Cytogenetic location: 9q21.11.
Variant type: single nucleotide variant.
Coding change: c.1631C>T on transcript NM_004817.4 (MANE Select); coding-DNA position 1631, C replaced by T.
Protein change: p.Ala544Val; replaces alanine 544 with valine.
Molecular consequence: missense variant.
Genome position (GRCh38, 1-based): chr9:69,230,192, C>T. VCF-style: chr9-69230192-C-T. GRCh37 (hg19) VCF-style: chr9-71845108-C-T.
Other names: c.1562C>T, p.Ala521Val (NM_001369871.1, NM_001170414.2); c.1631C>T, p.Ala544Val (NM_001369872.1, NM_001369873.1, NM_201629.3 and 1 more transcripts); c.1643C>T, p.Ala548Val (NM_001369874.1, NM_001369875.1, NM_001170415.1); c.1724C>T, p.Ala575Val (NM_001170416.2); c.1556C>T, p.Ala519Val (NM_001369870.1); short protein forms A544V, A521V, A575V, A519V, A548V.
Identifiers: ClinVar variation 499940 (VCV000499940.11), dbSNP rs142684074, ClinGen allele CA5073381.
Genomic context (GRCh38, chr9:69,230,192, plus strand): 5'-GGTTGGCTGGTGGCAATGATGTCGGGATATTTGTTGCTGGCATTCAAGAAGGGACCTCGG[C>T]GGAGCAGGAGGGCCTTCAAGAAGGAGACCAGATTCTGAAGGTAAGAACAGCCCAGCTCTG-3'
Protein context (NP_004808.2, residues 534-554): FVAGIQEGTS[Ala544Val]EQEGLQEGDQ

ClinVar aggregate classification (germline): Uncertain significance. Review status: criteria provided, multiple submitters, no conflicts (2 of 4 stars). 5 submissions from 5 submitters: Uncertain significance (5). Last evaluated 2026-09-03.

Conditions:
TJP2-related disorder. Also called: TJP2-related condition.
Inborn genetic diseases. Identifiers: MedGen C0950123, MeSH D030342.
Hypercholanemia, familial 1 (FHCA1). Identifiers: Orphanet 238475, MedGen C5542604, MONDO:0031446, OMIM 607748.
Cholestasis, progressive familial intrahepatic, 4. Identifiers: Orphanet 480483, Orphanet 79304, MedGen C2931067, MONDO:0014381, OMIM 615878.

Allele frequency attached by ClinVar (database versions not stated): ExAC 0.00002; TOPMed 0.00003; gnomAD 0.00004; gnomAD exomes 0.00004; ESP Exome Variant Server 0.00015.

Submissions (5):

GeneDx
Classification: Uncertain significance. Last evaluated: 2026-09-03. Review status: criteria provided, single submitter. Criteria: GeneDx Variant Classification Process June 2021. Collection method: clinical testing. Allele origin: germline.
Comment: In silico analysis supports that this missense variant has a deleterious effect on protein structure/function; Has not been previously published as pathogenic or benign to our knowledge

Ambry Genetics
Classification: Uncertain significance for Inborn genetic diseases. Last evaluated: 2025-08-12. Review status: criteria provided, single submitter. Criteria: Ambry Variant Classification Scheme 2023. Collection method: clinical testing. Allele origin: germline.

PreventionGenetics, part of Exact Sciences
Classification: Uncertain significance for TJP2-related condition. Last evaluated: 2025-02-27. Review status: criteria provided, single submitter. Criteria: ACMG Guidelines, 2015. Collection method: clinical testing. Allele origin: germline.
Comment: The TJP2 c.1631C>T variant is predicted to result in the amino acid substitution p.Ala544Val. To our knowledge, this variant has not been reported in the literature. This variant is reported in 0.016% of alleles in individuals of South Asian descent in gnomAD. At this time, the clinical significance of this variant is uncertain due to the absence of conclusive functional and genetic evidence.

Fulgent Genetics
Classification: Uncertain significance for Hypercholanemia, familial 1; Cholestasis, progressive familial intrahepatic, 4. Last evaluated: 2022-01-18. Review status: criteria provided, single submitter. Criteria: ACMG Guidelines, 2015. Collection method: clinical testing. Allele origin: unknown.

Eurofins Ntd Llc (ga)
Classification: Uncertain significance. Last evaluated: 2017-01-16. Review status: criteria provided, single submitter. Criteria: EGL Classification Definitions 2015. Collection method: clinical testing. Allele origin: germline. Observed: 1 variant allele, 1 heterozygote.